The following is an entry in ClinVar:

ClinVar aggregate classification (germline): Uncertain significance (1 of 4 stars; one submission).

Conditions:
Inborn genetic diseases. Identifiers: MedGen C0950123, MeSH D030342.

Allele frequency attached by ClinVar (database versions not stated): gnomAD 0.00001; TOPMed 0.00001; ESP Exome Variant Server 0.00008.
gnomAD v4.1: 3 of 1,614,102 alleles (0.00019%); highest among the groups gnomAD compares: African/African-American, 0.004%; no homozygotes.

Submission:

Ambry Genetics
Classification: Uncertain significance for Inborn genetic diseases. Last evaluated: 2018-11-23. Review status: criteria provided, single submitter. Criteria: Ambry Variant Classification Scheme 2023. Collection method: clinical testing. Allele origin: germline.
Comment: The p.L206V variant (also known as c.616C>G), located in coding exon 4 of the KCTD7 gene, results from a C to G substitution at nucleotide position 616. The leucine at codon 206 is replaced by valine, an amino acid with highly similar properties. This nucleotide position is highly conserved in available vertebrate species. This amino acid position is highly conserved in available vertebrate species. In addition, this alteration is predicted to be tolerated by in silico analysis. Since supporting evidence is limited at this time, the clinical significance of this alteration remains unclear.

NM_153033.5(KCTD7):c.616C>G (p.Leu206Val)

Gene: KCTD7 (potassium channel tetramerization domain containing 7; plus strand). Cytogenetic location: 7q11.21.
Variant type: single nucleotide variant.
Coding change: c.616C>G on transcript NM_153033.5 (MANE Select); coding-DNA position 616, C replaced by G.
Protein change: p.Leu206Val; replaces leucine 206 with valine.
Molecular consequence: missense variant.
Genome position (GRCh38, 1-based): chr7:66,638,978, C>G. VCF-style: chr7-66638978-C-G. GRCh37 (hg19) VCF-style: chr7-66103965-C-G.
Other names: c.616C>G, p.Leu206Val (NM_001167961.2); short protein forms L206V.
Identifiers: ClinVar variation 1751989 (VCV001751989.2), dbSNP rs140600524, ClinGen allele CA160220253.
Genomic context (GRCh38, chr7:66,638,978, plus strand): 5'-GCCAAGCTCAAGGTCTGTGTCTTCAAGGAGGAGATGCCCATCACCCCCTATGAGTGTCCG[C>G]TCCTCAACTCCCTGCGATTTGAGCGGAGTGAGAGTGACGGGCAGCTTTTTGAGCACCACT-3'
Protein context (NP_694578.1, residues 196-216): EMPITPYECP[Leu206Val]LNSLRFERSE